The following is an entry in ClinVar:

NM_020778.5(ALPK3):c.-89C>T

Gene: ALPK3 (alpha kinase 3; plus strand). Cytogenetic location: 15q25.3.
Variant type: single nucleotide variant.
Coding change: c.-89C>T on transcript NM_020778.5 (MANE Select); 89 bases upstream of the start codon, C replaced by T.
Molecular consequence: 5 prime UTR variant.
Genome position (GRCh38, 1-based): chr15:84,817,364, C>T. VCF-style: chr15-84817364-C-T. GRCh37 (hg19) VCF-style: chr15-85360595-C-T.
Identifiers: ClinVar variation 2277987 (VCV002277987.5), dbSNP rs1963371081, ClinGen allele CA393369079.

ClinVar aggregate classification (germline): Uncertain significance. Review status: criteria provided, multiple submitters, no conflicts (2 of 4 stars). 3 submissions from 3 submitters: Uncertain significance (3). Last evaluated 2025-11-10.

Conditions:
Cardiovascular phenotype. Identifiers: MedGen CN230736.

Allele frequency attached by ClinVar (database versions not stated): gnomAD exomes below 0.00001; TOPMed below 0.00001.
gnomAD v4.1: 3 of 1,228,146 alleles (0.00024%); highest among the groups gnomAD compares: African/African-American, 0.0031%; no homozygotes.

Submissions (3):

Labcorp Genetics (formerly Invitae), Labcorp
Classification: Uncertain significance. Last evaluated: 2025-11-10. Review status: criteria provided, single submitter. Criteria: Invitae Variant Classification Sherloc (09022015). Collection method: clinical testing. Allele origin: germline.
Comment: This sequence change replaces alanine, which is neutral and non-polar, with valine, which is neutral and non-polar, at codon 173 of the ALPK3 protein (p.Ala173Val). This variant is not present in population databases (gnomAD no frequency). This variant has not been reported in the literature in individuals affected with ALPK3-related conditions. ClinVar contains an entry for this variant (Variation ID: 2277987). An algorithm developed to predict the effect of missense changes on protein structure and function (PolyPhen-2) suggests that this variant is likely to be tolerated. In summary, the available evidence is currently insufficient to determine the role of this variant in disease. Therefore, it has been classified as a Variant of Uncertain Significance.

Ambry Genetics
Classification: Uncertain significance for Cardiovascular phenotype. Last evaluated: 2025-04-24. Review status: criteria provided, single submitter. Criteria: Ambry Variant Classification Scheme 2023. Collection method: clinical testing. Allele origin: germline.
Comment: The p.A173V variant (also known as c.518C>T), located in coding exon 1 of the ALPK3 gene, results from a C to T substitution at nucleotide position 518. The alanine at codon 173 is replaced by valine, an amino acid with similar properties. This amino acid position is conserved. In addition, this alteration is predicted to be tolerated by in silico analysis. Based on the available evidence, the clinical significance of this variant remains unclear.

Blueprint Genetics
Classification: Uncertain significance. Last evaluated: 2023-02-20. Review status: criteria provided, single submitter. Criteria: ACMG Guidelines, 2015. Collection method: clinical testing. Allele origin: germline.